The following is an entry in ClinVar:

ClinVar aggregate classification (germline): Uncertain significance (1 of 4 stars; one submission).

Conditions:
Inclusion body myopathy with early-onset Paget disease with or without frontotemporal dementia 2 (IBMPFD2). Also called: MULTISYSTEM PROTEINOPATHY 2. Identifiers: MedGen C3809468, MONDO:0014178, OMIM 615422.

Allele frequency attached by ClinVar (database versions not stated): gnomAD exomes below 0.00001; ExAC 0.00001; TOPMed 0.00001.
gnomAD v4.1: 4 of 1,612,296 alleles (0.00025%); highest among the groups gnomAD compares: African/African-American, 0.0013%; no homozygotes.

Submission:

Labcorp Genetics (formerly Invitae), Labcorp
Classification: Uncertain significance for Inclusion body myopathy with early-onset Paget disease with or without frontotemporal dementia 2. Last evaluated: 2025-06-12. Review status: criteria provided, single submitter. Criteria: Invitae Variant Classification Sherloc (09022015). Collection method: clinical testing. Allele origin: germline.
Comment: This sequence change falls in intron 5 of the HNRNPA2B1 gene. It does not directly change the encoded amino acid sequence of the HNRNPA2B1 protein. It affects a nucleotide within the consensus splice site. This variant is present in population databases (rs754074410, gnomAD 0.0009%). This variant has not been reported in the literature in individuals affected with HNRNPA2B1-related conditions. ClinVar contains an entry for this variant (Variation ID: 2162438). Variants that disrupt the consensus splice site are a relatively common cause of aberrant splicing (PMID: 17576681, 9536098). Algorithms developed to predict the effect of sequence changes on RNA splicing suggest that this variant is not likely to affect RNA splicing. In summary, the available evidence is currently insufficient to determine the role of this variant in disease. Therefore, it has been classified as a Variant of Uncertain Significance.

Literature cited by the submitters: PubMed 17576681; PubMed 9536098.

NM_002137.4(HNRNPA2B1):c.475+3A>G

Gene: HNRNPA2B1 (heterogeneous nuclear ribonucleoprotein A2/B1; minus strand). Cytogenetic location: 7p15.2.
Variant type: single nucleotide variant.
Coding change: c.475+3A>G on transcript NM_002137.4 (MANE Select); 3 bases into the intron after coding-DNA position 475, A replaced by G.
Molecular consequence: intron variant.
Genome position (GRCh38, 1-based): chr7:26,196,804, T>C on the plus strand (A>G on the coding strand, the complement: HNRNPA2B1 is on the minus strand). VCF-style: chr7-26196804-T-C. GRCh37 (hg19) VCF-style: chr7-26236424-T-C.
Other names: c.475+3A>G (NM_001438578.1, NM_001438576.1, NM_001438575.1 and 4 more transcripts); c.511+3A>G (NM_001438574.1, NM_001438573.1, NM_001438568.1 and 3 more transcripts).
Identifiers: ClinVar variation 2162438 (VCV002162438.4), dbSNP rs754074410, ClinGen allele CA4194669.